The following is an entry in ClinVar:

NM_005027.4(PIK3R2):c.1669G>C (p.Asp557His)

Gene: PIK3R2 (phosphoinositide-3-kinase regulatory subunit 2; plus strand). Cytogenetic location: 19p13.11.
Variant type: single nucleotide variant.
Coding change: c.1669G>C on transcript NM_005027.4 (MANE Select); coding-DNA position 1669, G replaced by C.
Protein change: p.Asp557His; replaces aspartic acid 557 with histidine.
Molecular consequence: missense variant. On other transcripts: non-coding transcript variant (2).
Genome position (GRCh38, 1-based): chr19:18,167,239, G>C. VCF-style: chr19-18167239-G-C. GRCh37 (hg19) VCF-style: chr19-18278049-G-C.
Other names: c.1669G>C, p.Asp557His (LRG_1392t1); short protein forms D557H.
Identifiers: ClinVar variation 424553 (VCV000424553.7), dbSNP rs372272045, ClinGen allele CA16620811.

ClinVar aggregate classification (germline): Pathogenic/Likely pathogenic. Review status: criteria provided, multiple submitters, no conflicts (2 of 4 stars). 2 submissions from 2 submitters: Pathogenic (1); Likely pathogenic (1). Last evaluated 2024-11-22.

Conditions:
PIK3R2-related disorder. Also called: PIK3R2-related condition.

Allele frequency attached by ClinVar (database versions not stated): TOPMed below 0.00001; gnomAD 0.00001; ESP Exome Variant Server 0.00008.
gnomAD v4.1: 1 of 1,612,876 alleles (0.000062%); highest among the groups gnomAD compares: Non-Finnish European, 0.000085%; no homozygotes.

Submissions (2):

GeneDx
Classification: Pathogenic. Last evaluated: 2024-11-22. Review status: criteria provided, single submitter. Criteria: GeneDx Variant Classification Process June 2021. Collection method: clinical testing. Allele origin: germline. Affected: yes.
Comment: Not observed at significant frequency in large population cohorts (gnomAD); In silico analysis supports that this missense variant has a deleterious effect on protein structure/function; This variant is associated with the following publications: (PMID: 26860062, 34040629, 33057194, 35982159, Ruan2022[CaseReport])

Blueprint Genetics
Classification: Likely pathogenic for PIK3R2-related disorders. Last evaluated: 2024-04-29. Review status: criteria provided, single submitter. Criteria: ACMG Guidelines, 2015. Collection method: clinical testing. Allele origin: germline. Affected: yes. Observed: 2 variant alleles.